The following is an entry in ClinVar:

ClinVar aggregate classification (germline): Uncertain significance (1 of 4 stars; one submission).

Submission:

Ambry Genetics
Classification: Uncertain significance. Last evaluated: 2022-12-05. Review status: criteria provided, single submitter. Criteria: Ambry Variant Classification Scheme 2023. Collection method: clinical testing. Allele origin: germline.
Comment: The p.E352K variant (also known as c.1054G>A), located in coding exon 3 of the ALPK2 gene, results from a G to A substitution at nucleotide position 1054. The glutamic acid at codon 352 is replaced by lysine, an amino acid with similar properties. This amino acid position is conserved. In addition, this alteration is predicted to be tolerated by in silico analysis. Since supporting evidence is limited at this time, the clinical significance of this alteration remains unclear.

NM_052947.4(ALPK2):c.1054G>A (p.Glu352Lys)

Genes: ALPK2 (alpha kinase 2; minus strand), LOC114803473 (ALPK2 eExon liver enhancer; plus strand). Cytogenetic location: 18q21.31.
Variant type: single nucleotide variant.
Coding change: c.1054G>A on transcript NM_052947.4 (MANE Select); coding-DNA position 1054, G replaced by A.
Protein change: p.Glu352Lys; replaces glutamic acid 352 with lysine.
Molecular consequence: missense variant.
Genome position (GRCh38, 1-based): chr18:58,579,722, C>T on the plus strand (G>A on the coding strand, the complement: ALPK2 is on the minus strand). VCF-style: chr18-58579722-C-T. GRCh37 (hg19) VCF-style: chr18-56246954-C-T.
Other names: short protein forms E352K.
Identifiers: ClinVar variation 3228550 (VCV003228550.1), dbSNP rs2518899531, ClinGen allele CA402564934.